The following is an entry in ClinVar:

NM_000059.4(BRCA2):c.4135C>A (p.Gln1379Lys)

Gene: BRCA2 (BRCA2 DNA repair associated; plus strand). Cytogenetic location: 13q13.1.
Variant type: single nucleotide variant.
Coding change: c.4135C>A on transcript NM_000059.4 (MANE Select); coding-DNA position 4135, C replaced by A.
Protein change: p.Gln1379Lys; replaces glutamine 1379 with lysine.
Molecular consequence: missense variant.
Genome position (GRCh38, 1-based): chr13:32,338,490, C>A. VCF-style: chr13-32338490-C-A. GRCh37 (hg19) VCF-style: chr13-32912627-C-A.
Other names: c.4135C>A, p.Gln1379Lys (NM_001406719.1, NM_001406720.1); short protein forms Q1379K.
Identifiers: ClinVar variation 1738110 (VCV001738110.4), dbSNP rs2072497088, ClinGen allele CA387779387.

ClinVar aggregate classification (germline): Conflicting classifications of pathogenicity. Review status: criteria provided, conflicting classifications (1 of 4 stars). 2 submissions from 2 submitters: Uncertain significance (1); Likely benign (1). Last evaluated 2023-03-23.

Conditions:
Hereditary cancer-predisposing syndrome. Also called: Neoplastic Syndromes, Hereditary; Tumor predisposition; Hereditary Cancer Syndrome; Hereditary neoplastic syndrome. Identifiers: Orphanet 140162, MedGen C0027672, MeSH D009386, MONDO:0015356.

Submissions (2):

University of Washington Department of Laboratory Medicine, University of Washington
Classification: Likely benign for Hereditary cancer-predisposing syndrome. Last evaluated: 2023-03-23. Review status: criteria provided, single submitter. Criteria: Dines et al. (Genet Med. 2020). Collection method: curation. Allele origin: germline.
Comment: Missense variant in a coldspot region where missense variants are very unlikely to be pathogenic (PMID:31911673).

BRCA2 exon 11 coldspot. Reclassification based on statistical prior probability.

Ambry Genetics
Classification: Uncertain significance for Hereditary cancer-predisposing syndrome. Last evaluated: 2022-07-13. Review status: criteria provided, single submitter. Criteria: Ambry Variant Classification Scheme 2023. Collection method: clinical testing. Allele origin: germline.
Comment: The p.Q1379K variant (also known as c.4135C>A), located in coding exon 10 of the BRCA2 gene, results from a C to A substitution at nucleotide position 4135. The glutamine at codon 1379 is replaced by lysine, an amino acid with similar properties. This amino acid position is conserved. In addition, this alteration is predicted to be tolerated by in silico analysis. Since supporting evidence is limited at this time, the clinical significance of this alteration remains unclear.